The following is an entry in ClinVar:

ClinVar aggregate classification (germline): Uncertain significance (1 of 4 stars; one submission).

Allele frequency attached by ClinVar (database versions not stated): gnomAD exomes below 0.00001.
gnomAD v4.1: 2 of 1,540,066 alleles (0.00013%); highest among the groups gnomAD compares: Non-Finnish European, 0.00017%; no homozygotes.

Submission:

Labcorp Genetics (formerly Invitae), Labcorp
Classification: Uncertain significance. Last evaluated: 2022-10-23. Review status: criteria provided, single submitter. Criteria: Invitae Variant Classification Sherloc (09022015). Collection method: clinical testing. Allele origin: germline.
Comment: Advanced modeling of protein sequence and biophysical properties (such as structural, functional, and spatial information, amino acid conservation, physicochemical variation, residue mobility, and thermodynamic stability) performed at Invitae indicates that this missense variant is not expected to disrupt TBX6 protein function. This sequence change replaces leucine, which is neutral and non-polar, with phenylalanine, which is neutral and non-polar, at codon 350 of the TBX6 protein (p.Leu350Phe). This variant is not present in population databases (gnomAD no frequency). This variant has not been reported in the literature in individuals affected with TBX6-related conditions. In summary, the available evidence is currently insufficient to determine the role of this variant in disease. Therefore, it has been classified as a Variant of Uncertain Significance.

NM_004608.4(TBX6):c.1048C>T (p.Leu350Phe)

Gene: TBX6 (T-box transcription factor 6; minus strand). Cytogenetic location: 16p11.2.
Variant type: single nucleotide variant.
Coding change: c.1048C>T on transcript NM_004608.4 (MANE Select); coding-DNA position 1048, C replaced by T.
Protein change: p.Leu350Phe; replaces leucine 350 with phenylalanine.
Molecular consequence: missense variant.
Genome position (GRCh38, 1-based): chr16:30,086,561, G>A on the plus strand (C>T on the coding strand, the complement: TBX6 is on the minus strand). VCF-style: chr16-30086561-G-A. GRCh37 (hg19) VCF-style: chr16-30097882-G-A.
Other names: short protein forms L350F.
Identifiers: ClinVar variation 1722091 (VCV001722091.5), dbSNP rs746046440, ClinGen allele CA395513474.